The following is an entry in ClinVar:

NM_004525.3(LRP2):c.3452C>T (p.Pro1151Leu)

Gene: LRP2 (LDL receptor related protein 2; minus strand). Cytogenetic location: 2q31.1.
Variant type: single nucleotide variant.
Coding change: c.3452C>T on transcript NM_004525.3 (MANE Select); coding-DNA position 3452, C replaced by T.
Protein change: p.Pro1151Leu; replaces proline 1151 with leucine.
Molecular consequence: missense variant.
Genome position (GRCh38, 1-based): chr2:169,243,501, G>A on the plus strand (C>T on the coding strand, the complement: LRP2 is on the minus strand). VCF-style: chr2-169243501-G-A. GRCh37 (hg19) VCF-style: chr2-170100011-G-A.
Other names: p.Pro1151Leu; short protein forms P1151L.
Identifiers: ClinVar variation 129518 (VCV000129518.33), dbSNP rs150552608, ClinGen allele CA153576.

ClinVar aggregate classification (germline): Benign/Likely benign. Review status: criteria provided, multiple submitters, no conflicts (2 of 4 stars). 12 submissions from 12 submitters: Benign (6); Likely benign (2). 4 of the submissions do not count toward it. Last evaluated 2026-02-04.

Conditions:
Donnai-Barrow syndrome. Also called: DBS/FOAR SYNDROME; FACIOOCULOACOUSTICORENAL SYNDROME. Identifiers: Orphanet 2143, MedGen C1857277, MONDO:0009104, OMIM 222448.
Intellectual disability. Also called: Intellectual developmental disorder; Intellectual functioning disability; intellectual disabilities. Identifiers: MedGen C3714756, MeSH D008607, MONDO:0001071, HP:0001249.

Allele frequency attached by ClinVar (database versions not stated): ExAC 0.00992; gnomAD 0.01319 and 0.01270; TOPMed 0.01344; 1000 Genomes Project 0.01518; gnomAD exomes 0.00577 and 0.00923; ESP Exome Variant Server 0.01346; 1000 Genomes Project 30x 0.01562.
gnomAD v4.1: 10,686 of 1,614,060 alleles (0.66%); highest among the groups gnomAD compares: Middle Eastern, 3.6%; 126 homozygotes.

Submissions (12):

Labcorp Genetics (formerly Invitae), Labcorp
Classification: Benign. Last evaluated: 2026-02-04. Review status: criteria provided, single submitter. Criteria: Invitae Variant Classification Sherloc (09022015). Collection method: clinical testing. Allele origin: germline.

GeneDx
Classification: Likely benign. Last evaluated: 2025-08-05. Review status: criteria provided, single submitter. Criteria: GeneDx Variant Classification Process June 2021. Collection method: clinical testing. Allele origin: germline. Affected: yes.
Comment: See Variant Classification Assertion Criteria.

Mayo Clinic Laboratories, Mayo Clinic
Classification: Benign. Last evaluated: 2025-03-21. Review status: criteria provided, single submitter. Criteria: ACMG Guidelines, 2015. Collection method: clinical testing. Allele origin: germline. Observed: 1 variant allele.
Comment: BA1, BS2

Fulgent Genetics
Classification: Benign for Donnai-Barrow syndrome. Last evaluated: 2021-08-03. Review status: criteria provided, single submitter. Criteria: ACMG Guidelines, 2015. Collection method: clinical testing. Allele origin: unknown.

Genome-Nilou Lab
Classification: Benign for Donnai-Barrow syndrome. Last evaluated: 2021-07-15. Review status: criteria provided, single submitter. Criteria: ACMG Guidelines, 2015. Collection method: clinical testing. Allele origin: germline. Affected: no.

Illumina Laboratory Services, Illumina
Classification: Benign for Donnai-Barrow syndrome. Last evaluated: 2018-01-13. Review status: criteria provided, single submitter. Criteria: ICSL Variant Classification Criteria 13 December 2019. Collection method: clinical testing. Allele origin: germline.
Comment: This variant was observed in the ICSL laboratory as part of a predisposition screen in an ostensibly healthy population. It had not been previously curated by ICSL or reported in the Human Gene Mutation Database (HGMD: prior to June 1st, 2018), and was therefore a candidate for classification through an automated scoring system. Utilizing variant allele frequency, disease prevalence and penetrance estimates, and inheritance mode, an automated score was calculated to assess if this variant is too frequent to cause the disease. Based on the score and internal cut-off values, a variant classified as benign is not then subjected to further curation. The score for this variant resulted in a classification of benign for this disease.

Breakthrough Genomics
Classification: Likely benign. Review status: criteria provided, single submitter. Criteria: ACMG Guidelines, 2015. Collection method: not provided. Allele origin: germline. Inheritance: Autosomal recessive inheritance. Affected: yes.

PreventionGenetics, part of Exact Sciences
Classification: Benign. Review status: criteria provided, single submitter. Criteria: ACMG Guidelines, 2015. Collection method: clinical testing. Allele origin: germline.

Centre de Biologie Pathologie Génétique, Centre Hospitalier Universitaire de Lille
Classification: Likely benign for Intellectual disability. Last evaluated: 2019-01-01. Review status: no assertion criteria provided. Collection method: clinical testing. Allele origin: inherited. Affected: yes. Not counted in ClinVar's aggregate classification.

Genetic Services Laboratory, University of Chicago
Classification: Likely benign for AllHighlyPenetrant. Review status: no assertion criteria provided. Collection method: clinical testing. Allele origin: germline. Inheritance: Autosomal recessive inheritance. Not counted in ClinVar's aggregate classification.
Comment: Likely benign based on allele frequency in 1000 Genomes Project or ESP global frequency and its presence in a patient with a rare or unrelated disease phenotype. NOT Sanger confirmed.

Joint Genome Diagnostic Labs from Nijmegen and Maastricht, Radboudumc and MUMC+
Classification: Benign. Review status: no assertion criteria provided. Collection method: clinical testing. Allele origin: germline. Affected: yes. Study: VKGL Data-share Consensus. Not counted in ClinVar's aggregate classification.

Laboratory of Diagnostic Genome Analysis, Leiden University Medical Center (LUMC)
Classification: Likely benign. Review status: no assertion criteria provided. Collection method: clinical testing. Allele origin: germline. Affected: yes. Study: VKGL Data-share Consensus. Not counted in ClinVar's aggregate classification.